The following is an entry in ClinVar:

ClinVar aggregate classification (germline): Uncertain significance (1 of 4 stars; one submission).

Conditions:
Familial adenomatous polyposis 1 (FAP1). Also called: FAMILIAL ADENOMATOUS POLYPOSIS 1, ATTENUATED; POLYPOSIS, ADENOMATOUS INTESTINAL. Identifiers: MedGen C2713442, MONDO:0021056, OMIM 175100. Disease mechanism: loss of function.

Allele frequency attached by ClinVar (database versions not stated): gnomAD 0.00001; gnomAD exomes 0.00001; TOPMed 0.00002.

Submission:

Labcorp Genetics (formerly Invitae), Labcorp
Classification: Uncertain significance for Familial adenomatous polyposis 1. Last evaluated: 2026-02-03. Review status: criteria provided, single submitter. Criteria: Invitae Variant Classification Sherloc (09022015). Collection method: clinical testing. Allele origin: germline.
Comment: This variant occurs in a non-coding region of the APC gene. It does not change the encoded amino acid sequence of the APC protein. This variant is present in population databases (no rsID available, gnomAD 0.06%). This variant has not been reported in the literature in individuals affected with APC-related conditions. In summary, the available evidence is currently insufficient to determine the role of this variant in disease. Therefore, it has been classified as a Variant of Uncertain Significance.

NC_000005.10:g.112707383C>G

Gene: APC (APC regulator of Wnt signaling pathway; plus strand). Cytogenetic location: 5q22.2.
Variant type: single nucleotide variant.
Genome position: GRCh38 VCF-style: chr5-112707383-C-G. GRCh37 (hg19) VCF-style: chr5-112043080-C-G.
Identifiers: ClinVar variation 1040996 (VCV001040996.8), dbSNP rs1484697641, ClinGen allele CA561890083.
Genomic context (GRCh38, chr5:112,707,383, plus strand): 5'-TTCAGAGAAGGCCAGTAAGTGCTGCAACTGAGACTCGGCTGCCTAGGCAGCAATGGCTCA[C>G]GGGACAGAACAGCGAAGCAGTGCCCGGCAAGCGGAGCGCAGCACCCATTGCGCCTGCGCA-3'